The following is an entry in ClinVar:

NM_004285.4(H6PD):c.1113_1116del (p.Leu372fs)

Gene: H6PD (hexose-6-phosphate dehydrogenase/glucose 1-dehydrogenase; plus strand). Cytogenetic location: 1p36.22.
Variant type: Deletion.
Coding change: c.1113_1116del on transcript NM_004285.4 (MANE Select); coding-DNA positions 1113 to 1116, 4 bases deleted (CTTG; older notation c.1113_1116delCTTG).
Protein change: p.Leu372fs; shifts the reading frame from leucine 372.
Molecular consequence: frameshift variant.
Genome position (GRCh38, 1-based): chr1:9,263,606-9,263,609, CTTG deleted. VCF-style (leftmost placement, unchanged base first): chr1-9263605-TCTTG-T. GRCh37 (hg19) VCF-style: chr1-9323664-TCTTG-T.
Other names: c.1113_1116delCTTG (NM_004285.4); c.1146_1149del, p.Leu383fs (NM_001282587.2); short protein forms L372fs, L383fs.
Identifiers: ClinVar variation 4849419 (VCV004849419.1).

ClinVar aggregate classification (germline): Likely pathogenic (1 of 4 stars; one submission).

Conditions:
Cortisone reductase deficiency 1 (CORTRD1). Identifiers: Orphanet 168588, MedGen C3551716, MONDO:0011503, OMIM 604931.

Submission:

First Genomix Gene Laboratory, Genetic Diagnostics Department
Classification: Likely pathogenic for Cortisone reductase deficiency 1. Last evaluated: 2025-05-29. Review status: criteria provided, single submitter. Criteria: ACMG Guidelines, 2015. Collection method: clinical testing. Allele origin: germline. Inheritance: Autosomal recessive inheritance. Affected: no. Observed: 1 variant allele.